The following is an entry in ClinVar:

NM_000069.3(CACNA1S):c.1503C>A (p.Cys501Ter)

Gene: CACNA1S (calcium voltage-gated channel subunit alpha1 S; minus strand). Cytogenetic location: 1q32.1.
Variant type: single nucleotide variant.
Coding change: c.1503C>A on transcript NM_000069.3 (MANE Select); coding-DNA position 1503, C replaced by A.
Protein change: p.Cys501Ter; replaces cysteine 501 with a stop codon.
Molecular consequence: nonsense.
Genome position (GRCh38, 1-based): chr1:201,077,995, G>T on the plus strand (C>A on the coding strand, the complement: CACNA1S is on the minus strand). VCF-style: chr1-201077995-G-T. GRCh37 (hg19) VCF-style: chr1-201047123-G-T.
Other names: short protein forms C501*.
Identifiers: ClinVar variation 473964 (VCV000473964.7), dbSNP rs762294904, ClinGen allele CA344121959.

ClinVar aggregate classification (germline): Pathogenic (1 of 4 stars; one submission).

Conditions:
Malignant hyperthermia, susceptibility to, 5 (MHS5). Also called: CACNA1S-Related Malignant Hyperthermia Susceptibility. Identifiers: Orphanet 423, MedGen C1866077, MONDO:0011163, OMIM 601887.
Hypokalemic periodic paralysis, type 1. Also called: HypoPP; Hypokalemic Periodic Paralysis Type 1 (AD). Identifiers: Orphanet 681, MedGen C3714580, MONDO:0042979, OMIM 170400.

Submission:

Labcorp Genetics (formerly Invitae), Labcorp
Classification: Pathogenic for Hypokalemic periodic paralysis, type 1; Malignant hyperthermia, susceptibility to, 5. Last evaluated: 2018-03-21. Review status: criteria provided, single submitter. Criteria: Invitae Variant Classification Sherloc (09022015). Collection method: clinical testing. Allele origin: germline.
Comment: This sequence change creates a premature translational stop signal (p.Cys501*) in the CACNA1S gene. It is expected to result in an absent or disrupted protein product. This variant is not present in population databases (ExAC no frequency). This variant has not been reported in the literature in individuals with CACNA1S-related disease. Loss-of-function variants in CACNA1S are known to be pathogenic (PMID: 26247046, 28012042). For these reasons, this variant has been classified as Pathogenic.

Literature cited by the submitters: PubMed 26247046; PubMed 28012042.